The following is an entry in ClinVar:

ClinVar aggregate classification (germline): Uncertain significance. Review status: criteria provided, multiple submitters, no conflicts (2 of 4 stars). 2 submissions from 2 submitters: Uncertain significance (2). Last evaluated 2024-09-16.

Conditions:
Hereditary cancer-predisposing syndrome. Also called: Neoplastic Syndromes, Hereditary; Tumor predisposition; Hereditary neoplastic syndrome; Hereditary Cancer Syndrome. Identifiers: Orphanet 140162, MedGen C0027672, MeSH D009386, MONDO:0015356.

Submissions (2):

Labcorp Genetics (formerly Invitae), Labcorp
Classification: Uncertain significance. Last evaluated: 2024-09-16. Review status: criteria provided, single submitter. Criteria: Invitae Variant Classification Sherloc (09022015). Collection method: clinical testing. Allele origin: germline.
Comment: This sequence change replaces glutamine, which is neutral and polar, with glutamic acid, which is acidic and polar, at codon 1941 of the POLE protein (p.Gln1941Glu). This variant is not present in population databases (gnomAD no frequency). This variant has not been reported in the literature in individuals affected with POLE-related conditions. An algorithm developed to predict the effect of missense changes on protein structure and function (PolyPhen-2) suggests that this variant is likely to be tolerated. In summary, the available evidence is currently insufficient to determine the role of this variant in disease. Therefore, it has been classified as a Variant of Uncertain Significance.

Ambry Genetics
Classification: Uncertain significance for Hereditary cancer-predisposing syndrome. Last evaluated: 2024-05-10. Review status: criteria provided, single submitter. Criteria: Ambry Variant Classification Scheme 2023. Collection method: clinical testing. Allele origin: germline.
Comment: The p.Q1941E variant (also known as c.5821C>G), located in coding exon 43 of the POLE gene, results from a C to G substitution at nucleotide position 5821. The glutamine at codon 1941 is replaced by glutamic acid, an amino acid with highly similar properties. This amino acid position is conserved. In addition, this alteration is predicted to be tolerated by in silico analysis. Based on the available evidence, the clinical significance of this variant remains unclear.

NM_006231.4(POLE):c.5821C>G (p.Gln1941Glu)

Gene: POLE (DNA polymerase epsilon, catalytic subunit; minus strand). Cytogenetic location: 12q24.33.
Variant type: single nucleotide variant.
Coding change: c.5821C>G on transcript NM_006231.4 (MANE Select); coding-DNA position 5821, C replaced by G.
Protein change: p.Gln1941Glu; replaces glutamine 1941 with glutamic acid.
Molecular consequence: missense variant.
Genome position (GRCh38, 1-based): chr12:132,634,369, G>C on the plus strand (C>G on the coding strand, the complement: POLE is on the minus strand). VCF-style: chr12-132634369-G-C. GRCh37 (hg19) VCF-style: chr12-133210955-G-C.
Other names: short protein forms Q1941E.
Identifiers: ClinVar variation 3308413 (VCV003308413.3).
Genomic context (GRCh38, chr12:132,634,369, plus strand): 5'-CATCTCTTTCCTCCTCATCGTCCTCATTTTCCTGCTCATCCTCTGCTCCCCCTGCTTTCT[G>C]GGAGTCTTGCTGTAACACATGAGACAACGCGGCTGTGTTTGCACCATCGCGGCCTGGTAG-3'
Protein context (NP_006222.2, residues 1931-1951): SRIHCGLQDS[Gln1941Glu]KAGGAEDEQE